The following is an entry in ClinVar:

ClinVar aggregate classification (germline): Uncertain significance. Review status: criteria provided, multiple submitters, no conflicts (2 of 4 stars). 2 submissions from 2 submitters: Uncertain significance (2). Last evaluated 2024-04-15.

Conditions:
Inborn genetic diseases. Identifiers: MedGen C0950123, MeSH D030342.

Allele frequency attached by ClinVar (database versions not stated): gnomAD exomes 0.00001.
gnomAD v4.1: 3 of 1,613,326 alleles (0.00019%); highest among the groups gnomAD compares: Admixed American, 0.0033%; no homozygotes.

Submissions (2):

Ambry Genetics
Classification: Uncertain significance for Inborn genetic diseases. Last evaluated: 2024-04-15. Review status: criteria provided, single submitter. Criteria: Ambry Variant Classification Scheme 2023. Collection method: clinical testing. Allele origin: germline.

Labcorp Genetics (formerly Invitae), Labcorp
Classification: Uncertain significance. Last evaluated: 2024-02-23. Review status: criteria provided, single submitter. Criteria: Invitae Variant Classification Sherloc (09022015). Collection method: clinical testing. Allele origin: germline.
Comment: This sequence change replaces aspartic acid, which is acidic and polar, with alanine, which is neutral and non-polar, at codon 374 of the RGS9 protein (p.Asp374Ala). This variant is not present in population databases (gnomAD no frequency). This variant has not been reported in the literature in individuals affected with RGS9-related conditions. ClinVar contains an entry for this variant (Variation ID: 1427784). Advanced modeling of protein sequence and biophysical properties (such as structural, functional, and spatial information, amino acid conservation, physicochemical variation, residue mobility, and thermodynamic stability) performed at Invitae indicates that this missense variant is not expected to disrupt RGS9 protein function with a negative predictive value of 80%. In summary, the available evidence is currently insufficient to determine the role of this variant in disease. Therefore, it has been classified as a Variant of Uncertain Significance.

NM_003835.4(RGS9):c.1121A>C (p.Asp374Ala)

Gene: RGS9 (regulator of G protein signaling 9; plus strand). Cytogenetic location: 17q24.1.
Variant type: single nucleotide variant.
Coding change: c.1121A>C on transcript NM_003835.4 (MANE Select); coding-DNA position 1121, A replaced by C.
Protein change: p.Asp374Ala; replaces aspartic acid 374 with alanine.
Molecular consequence: missense variant.
Genome position (GRCh38, 1-based): chr17:65,204,219, A>C. VCF-style: chr17-65204219-A-C. GRCh37 (hg19) VCF-style: chr17-63200337-A-C.
Other names: c.1112A>C, p.Asp371Ala (NM_001081955.3, NM_001165933.2); c.1121A>C (NM_003835.3); short protein forms D371A, D374A.
Identifiers: ClinVar variation 1427784 (VCV001427784.6), dbSNP rs929177965, ClinGen allele CA293064681.